The following is an entry in ClinVar:

ClinVar aggregate classification (germline): Uncertain significance (1 of 4 stars; one submission).

Conditions:
Autosomal recessive limb-girdle muscular dystrophy type R18 (LGMDR18). Also called: Autosomal recessive limb-girdle muscular dystrophy type 2S; Limb-girdle muscular dystrophy, type 2S; MUSCULAR DYSTROPHY, LIMB-GIRDLE, AUTOSOMAL RECESSIVE 18. Identifiers: Orphanet 369840, MedGen C4517996, MONDO:0014144, OMIM 615356.

Submission:

Labcorp Genetics (formerly Invitae), Labcorp
Classification: Uncertain significance for Autosomal recessive limb-girdle muscular dystrophy type R18. Last evaluated: 2022-08-08. Review status: criteria provided, single submitter. Criteria: Invitae Variant Classification Sherloc (09022015). Collection method: clinical testing. Allele origin: germline.
Comment: This variant has not been reported in the literature in individuals affected with TRAPPC11-related conditions. In summary, the available evidence is currently insufficient to determine the role of this variant in disease. Therefore, it has been classified as a Variant of Uncertain Significance. Algorithms developed to predict the effect of missense changes on protein structure and function are either unavailable or do not agree on the potential impact of this missense change (SIFT: "Tolerated"; PolyPhen-2: "Possibly Damaging"; Align-GVGD: "Class C0"). This variant is not present in population databases (gnomAD no frequency). This sequence change replaces leucine, which is neutral and non-polar, with valine, which is neutral and non-polar, at codon 1042 of the TRAPPC11 protein (p.Leu1042Val).

NM_021942.6(TRAPPC11):c.3124T>G (p.Leu1042Val)

Gene: TRAPPC11 (trafficking protein particle complex subunit 11; plus strand). Cytogenetic location: 4q35.1.
Variant type: single nucleotide variant.
Coding change: c.3124T>G on transcript NM_021942.6 (MANE Select); coding-DNA position 3124, T replaced by G.
Protein change: p.Leu1042Val; replaces leucine 1042 with valine.
Molecular consequence: missense variant.
Genome position (GRCh38, 1-based): chr4:183,706,875, T>G. VCF-style: chr4-183706875-T-G. GRCh37 (hg19) VCF-style: chr4-184628028-T-G.
Other names: c.3124T>G, p.Leu1042Val (NM_199053.3); short protein forms L1042V.
Identifiers: ClinVar variation 1715687 (VCV001715687.6), dbSNP rs146219211, ClinGen allele CA358874720.